The following is an entry in ClinVar:

ClinVar aggregate classification (germline): Uncertain significance (1 of 4 stars; one submission).

Allele frequency attached by ClinVar (database versions not stated): gnomAD exomes below 0.00001; TOPMed below 0.00001; gnomAD 0.00001.
gnomAD v4.1: 4 of 1,612,964 alleles (0.00025%); highest among the groups gnomAD compares: African/African-American, 0.004%; no homozygotes.

Submission:

Labcorp Genetics (formerly Invitae), Labcorp
Classification: Uncertain significance. Last evaluated: 2022-05-12. Review status: criteria provided, single submitter. Criteria: Invitae Variant Classification Sherloc (09022015). Collection method: clinical testing. Allele origin: germline.
Comment: In summary, the available evidence is currently insufficient to determine the role of this variant in disease. Therefore, it has been classified as a Variant of Uncertain Significance. Algorithms developed to predict the effect of missense changes on protein structure and function are either unavailable or do not agree on the potential impact of this missense change (SIFT: "Tolerated"; PolyPhen-2: "Possibly Damaging"; Align-GVGD: "Class C0"). This variant has not been reported in the literature in individuals affected with ASPM-related conditions. This variant is not present in population databases (gnomAD no frequency). This sequence change replaces glutamic acid, which is acidic and polar, with valine, which is neutral and non-polar, at codon 3176 of the ASPM protein (p.Glu3176Val).

NM_018136.5(ASPM):c.9527A>T (p.Glu3176Val)

Gene: ASPM (assembly factor for spindle microtubules; minus strand). Cytogenetic location: 1q31.3.
Variant type: single nucleotide variant.
Coding change: c.9527A>T on transcript NM_018136.5 (MANE Select); coding-DNA position 9527, A replaced by T.
Protein change: p.Glu3176Val; replaces glutamic acid 3176 with valine.
Molecular consequence: missense variant.
Genome position (GRCh38, 1-based): chr1:197,090,959, T>A on the plus strand (A>T on the coding strand, the complement: ASPM is on the minus strand). VCF-style: chr1-197090959-T-A. GRCh37 (hg19) VCF-style: chr1-197060089-T-A.
Other names: c.4772A>T, p.Glu1591Val (NM_001206846.2); short protein forms E3176V, E1591V.
Identifiers: ClinVar variation 1931013 (VCV001931013.5), dbSNP rs1656764267, ClinGen allele CA344002991.